The following is an entry in ClinVar:

NM_001369.3(DNAH5):c.1933C>T (p.Gln645Ter)

Gene: DNAH5 (dynein axonemal heavy chain 5; minus strand). Cytogenetic location: 5p15.2.
Variant type: single nucleotide variant.
Coding change: c.1933C>T on transcript NM_001369.3 (MANE Select); coding-DNA position 1933, C replaced by T.
Protein change: p.Gln645Ter; replaces glutamine 645 with a stop codon.
Molecular consequence: nonsense.
Genome position (GRCh38, 1-based): chr5:13,901,371, G>A on the plus strand (C>T on the coding strand, the complement: DNAH5 is on the minus strand). VCF-style: chr5-13901371-G-A. GRCh37 (hg19) VCF-style: chr5-13901480-G-A.
Other names: short protein forms Q645*.
Identifiers: ClinVar variation 1426761 (VCV001426761.6), dbSNP rs2151962965, ClinGen allele CA359205386.

ClinVar aggregate classification (germline): Pathogenic (1 of 4 stars; one submission).

Conditions:
Primary ciliary dyskinesia. Also called: Ciliary dyskinesia. Identifiers: Orphanet 244, MedGen C0008780, MONDO:0016575, HP:0012265.

Submission:

Labcorp Genetics (formerly Invitae), Labcorp
Classification: Pathogenic for Primary ciliary dyskinesia. Last evaluated: 2021-03-27. Review status: criteria provided, single submitter. Criteria: Invitae Variant Classification Sherloc (09022015). Collection method: clinical testing. Allele origin: germline.
Comment: For these reasons, this variant has been classified as Pathogenic. This sequence change creates a premature translational stop signal (p.Gln645*) in the DNAH5 gene. It is expected to result in an absent or disrupted protein product. Loss-of-function variants in DNAH5 are known to be pathogenic (PMID: 11788826, 16627867). This variant is not present in population databases (ExAC no frequency). This variant has not been reported in the literature in individuals with DNAH5-related conditions.

Literature cited by the submitters: PubMed 11788826; PubMed 16627867.